The following is an entry in ClinVar:

NM_001458.5(FLNC):c.4639C>T (p.Pro1547Ser)

Gene: FLNC (filamin C; plus strand). Cytogenetic location: 7q32.1.
Variant type: single nucleotide variant.
Coding change: c.4639C>T on transcript NM_001458.5 (MANE Select); coding-DNA position 4639, C replaced by T.
Protein change: p.Pro1547Ser; replaces proline 1547 with serine.
Molecular consequence: missense variant.
Genome position (GRCh38, 1-based): chr7:128,848,619, C>T. VCF-style: chr7-128848619-C-T. GRCh37 (hg19) VCF-style: chr7-128488673-C-T.
Other names: c.4639C>T, p.Pro1547Ser (NM_001127487.2); short protein forms P1547S.
Identifiers: ClinVar variation 1377961 (VCV001377961.6), dbSNP rs2128937538, ClinGen allele CA369202194.
Genomic context (GRCh38, chr7:128,848,619, plus strand): 5'-AGCCCCTTCAAGATCAAGGTCCTCCCAGCTCATGATGCCAGCAAGGTGCGGGCCAGCGGC[C>T]CAGGCCTCAACGCCTCTGGCATCCCTGCCAGCCTGCCTGTGGAGTTCACCATCGACGCAC-3'
Protein context (NP_001449.3, residues 1537-1557): HDASKVRASG[Pro1547Ser]GLNASGIPAS

ClinVar aggregate classification (germline): Uncertain significance (1 of 4 stars; one submission).

Conditions:
Myofibrillar myopathy 5. Also called: Filaminopathy (type); FILAMINOPATHY, AUTOSOMAL DOMINANT. Identifiers: Orphanet 171445, MedGen C1836050, MONDO:0012289, OMIM 609524.
Distal myopathy with posterior leg and anterior hand involvement. Also called: WILLIAMS DISTAL MYOPATHY. Identifiers: Orphanet 63273, MedGen C3279722, MONDO:0013550, OMIM 614065.
Hypertrophic cardiomyopathy 26. Also called: Cardiomyopathy, familial hypertrophic, 26. Identifiers: Orphanet 75249, MedGen C4310749, MONDO:0014883, OMIM 617047.

Submission:

Labcorp Genetics (formerly Invitae), Labcorp
Classification: Uncertain significance for Distal myopathy with posterior leg and anterior hand involvement; Myofibrillar myopathy 5; Hypertrophic cardiomyopathy 26. Last evaluated: 2021-12-11. Review status: criteria provided, single submitter. Criteria: Invitae Variant Classification Sherloc (09022015). Collection method: clinical testing. Allele origin: germline.
Comment: This sequence change replaces proline, which is neutral and non-polar, with serine, which is neutral and polar, at codon 1547 of the FLNC protein (p.Pro1547Ser). In summary, the available evidence is currently insufficient to determine the role of this variant in disease. Therefore, it has been classified as a Variant of Uncertain Significance. Algorithms developed to predict the effect of missense changes on protein structure and function are either unavailable or do not agree on the potential impact of this missense change (SIFT: "Tolerated"; PolyPhen-2: "Probably Damaging"; Align-GVGD: "Class C0"). This variant has not been reported in the literature in individuals affected with FLNC-related conditions. This variant is not present in population databases (gnomAD no frequency).